The following is an entry in ClinVar:

ClinVar aggregate classification (germline): Uncertain significance (1 of 4 stars; one submission).

Allele frequency attached by ClinVar (database versions not stated): TOPMed 0.00001.

Submission:

Labcorp Genetics (formerly Invitae), Labcorp
Classification: Uncertain significance. Last evaluated: 2024-11-12. Review status: criteria provided, single submitter. Criteria: Invitae Variant Classification Sherloc (09022015). Collection method: clinical testing. Allele origin: germline.
Comment: This sequence change replaces alanine, which is neutral and non-polar, with valine, which is neutral and non-polar, at codon 42 of the GPR143 protein (p.Ala42Val). This variant is not present in population databases (gnomAD no frequency). This variant has not been reported in the literature in individuals affected with GPR143-related conditions. ClinVar contains an entry for this variant (Variation ID: 2108343). Invitae Evidence Modeling of protein sequence and biophysical properties (such as structural, functional, and spatial information, amino acid conservation, physicochemical variation, residue mobility, and thermodynamic stability) indicates that this missense variant is not expected to disrupt GPR143 protein function with a negative predictive value of 95%. In summary, the available evidence is currently insufficient to determine the role of this variant in disease. Therefore, it has been classified as a Variant of Uncertain Significance.

NM_000273.3(GPR143):c.125C>T (p.Ala42Val)

Gene: GPR143 (G protein-coupled receptor 143; minus strand). Cytogenetic location: Xp22.2.
Variant type: single nucleotide variant.
Coding change: c.125C>T on transcript NM_000273.3 (MANE Select); coding-DNA position 125, C replaced by T.
Protein change: p.Ala42Val; replaces alanine 42 with valine.
Molecular consequence: missense variant.
Genome position (GRCh38, 1-based): chrX:9,765,693, G>A on the plus strand (C>T on the coding strand, the complement: GPR143 is on the minus strand). VCF-style: chrX-9765693-G-A. GRCh37 (hg19) VCF-style: chrX-9733733-G-A.
Other names: short protein forms A42V.
Identifiers: ClinVar variation 2108343 (VCV002108343.4), dbSNP rs1396977785, ClinGen allele CA412000683.
Genomic context (GRCh38, chrX:9,765,693, plus strand): 5'-GTCGCGGGGGACCCGGGGCCCGCGGGCCGGCGGCCGGGCAGCAGCTGCAGAAGGCCCAGC[G>A]CCAAGCGGAGCCCGCCGCTGCCCAGGCAGAGCGCGTGGAAGGCCCGCGGCTGGAAGCTCA-3'
Protein context (NP_000264.2, residues 32-52): LCLGSGGLRL[Ala42Val]LGLLQLLPGR